The following is an entry in ClinVar:

NM_001136191.3(KANK2):c.1051G>A (p.Ala351Thr)

Gene: KANK2 (KN motif and ankyrin repeat domains 2; minus strand). Cytogenetic location: 19p13.2.
Variant type: single nucleotide variant.
Coding change: c.1051G>A on transcript NM_001136191.3 (MANE Select); coding-DNA position 1051, G replaced by A.
Protein change: p.Ala351Thr; replaces alanine 351 with threonine.
Molecular consequence: missense variant.
Genome position (GRCh38, 1-based): chr19:11,193,029, C>T on the plus strand (G>A on the coding strand, the complement: KANK2 is on the minus strand). VCF-style: chr19-11193029-C-T. GRCh37 (hg19) VCF-style: chr19-11303705-C-T.
Other names: c.1051G>A, p.Ala351Thr (NM_001329451.2, NM_001379548.1, NM_001379549.1 and 15 more transcripts); short protein forms A351T.
Identifiers: ClinVar variation 2359198 (VCV002359198.5), dbSNP rs745831416, ClinGen allele CA9205910.

ClinVar aggregate classification (germline): Uncertain significance. Review status: criteria provided, multiple submitters, no conflicts (2 of 4 stars). 2 submissions from 2 submitters: Uncertain significance (2). Last evaluated 2025-10-29.

Allele frequency attached by ClinVar (database versions not stated): gnomAD 0.00001; TOPMed 0.00001; ExAC 0.00003.
gnomAD v4.1: 36 of 1,611,912 alleles (0.0022%); highest among the groups gnomAD compares: South Asian, 0.0088%; no homozygotes.

Submissions (2):

Ambry Genetics
Classification: Uncertain significance. Last evaluated: 2025-10-29. Review status: criteria provided, single submitter. Criteria: Ambry Variant Classification Scheme 2023. Collection method: clinical testing. Allele origin: germline.

Labcorp Genetics (formerly Invitae), Labcorp
Classification: Uncertain significance. Last evaluated: 2024-03-25. Review status: criteria provided, single submitter. Criteria: Invitae Variant Classification Sherloc (09022015). Collection method: clinical testing. Allele origin: germline.
Comment: This sequence change replaces alanine, which is neutral and non-polar, with threonine, which is neutral and polar, at codon 351 of the KANK2 protein (p.Ala351Thr). This variant is present in population databases (rs745831416, gnomAD 0.007%). This variant has not been reported in the literature in individuals affected with KANK2-related conditions. ClinVar contains an entry for this variant (Variation ID: 2359198). An algorithm developed to predict the effect of missense changes on protein structure and function (PolyPhen-2) suggests that this variant is likely to be disruptive. In summary, the available evidence is currently insufficient to determine the role of this variant in disease. Therefore, it has been classified as a Variant of Uncertain Significance.